The following is an entry in ClinVar:

ClinVar aggregate classification (germline): Uncertain significance (1 of 4 stars; one submission).

Allele frequency attached by ClinVar (database versions not stated): gnomAD exomes below 0.00001; gnomAD 0.00001; TOPMed 0.00001; ExAC 0.00002.
gnomAD v4.1: 5 of 1,569,516 alleles (0.00032%); highest among the groups gnomAD compares: Non-Finnish European, 0.00044%; no homozygotes.

Submission:

Labcorp Genetics (formerly Invitae), Labcorp
Classification: Uncertain significance. Last evaluated: 2025-05-27. Review status: criteria provided, single submitter. Criteria: Invitae Variant Classification Sherloc (09022015). Collection method: clinical testing. Allele origin: germline.
Comment: This sequence change replaces tyrosine, which is neutral and polar, with histidine, which is basic and polar, at codon 236 of the KITLG protein (p.Tyr236His). This variant is present in population databases (rs761107987, gnomAD 0.002%). This variant has not been reported in the literature in individuals affected with KITLG-related conditions. ClinVar contains an entry for this variant (Variation ID: 1982036). Invitae Evidence Modeling of protein sequence and biophysical properties (such as structural, functional, and spatial information, amino acid conservation, physicochemical variation, residue mobility, and thermodynamic stability) indicates that this missense variant is not expected to disrupt KITLG protein function with a negative predictive value of 80%. In summary, the available evidence is currently insufficient to determine the role of this variant in disease. Therefore, it has been classified as a Variant of Uncertain Significance.

NM_000899.5(KITLG):c.706T>C (p.Tyr236His)

Gene: KITLG (KIT ligand; minus strand). Cytogenetic location: 12q21.32.
Variant type: single nucleotide variant.
Coding change: c.706T>C on transcript NM_000899.5 (MANE Select); coding-DNA position 706, T replaced by C.
Protein change: p.Tyr236His; replaces tyrosine 236 with histidine.
Molecular consequence: missense variant.
Genome position (GRCh38, 1-based): chr12:88,507,036, A>G on the plus strand (T>C on the coding strand, the complement: KITLG is on the minus strand). VCF-style: chr12-88507036-A-G. GRCh37 (hg19) VCF-style: chr12-88900813-A-G.
Other names: c.622T>C, p.Tyr208His (NM_003994.6); short protein forms Y208H, Y236H.
Identifiers: ClinVar variation 1982036 (VCV001982036.4), dbSNP rs761107987, ClinGen allele CA6713625.